The following is an entry in ClinVar:

NM_001242896.3(DEPDC5):c.2633+9T>G

Gene: DEPDC5 (DEP domain containing 5, GATOR1 subcomplex subunit; plus strand). Cytogenetic location: 22q12.3.
Variant type: single nucleotide variant.
Coding change: c.2633+9T>G on transcript NM_001242896.3 (MANE Select); 9 bases into the intron after coding-DNA position 2633, T replaced by G.
Molecular consequence: intron variant.
Genome position (GRCh38, 1-based): chr22:31,843,221, T>G. VCF-style: chr22-31843221-T-G. GRCh37 (hg19) VCF-style: chr22-32239207-T-G.
Other names: c.2633+9T>G (NM_001364318.2, NM_001363852.2, NM_001364320.2); c.2606+9T>G (NM_001136029.4, NM_014662.6, NM_001369903.1); c.2399+9T>G (NM_001363854.2, NM_001242897.2, NM_001364319.2); c.2549+9T>G (NM_001369902.1, NM_001369901.1).
Identifiers: ClinVar variation 1027725 (VCV001027725.1), dbSNP rs2091505022, ClinGen allele CA2401686273.

ClinVar aggregate classification (germline): Uncertain significance (1 of 4 stars; one submission).

Conditions:
Epilepsy, familial focal, with variable foci 1 (FFEVF1). Also called: DEPDC5-Related Epilepsy. Identifiers: MedGen C4551983, MONDO:0024556, OMIM 604364.

Allele frequency attached by ClinVar (database versions not stated): gnomAD exomes below 0.00001.
gnomAD v4.1: 1 of 1,612,200 alleles (0.000062%); highest among the groups gnomAD compares: Middle Eastern, 0.017%; no homozygotes.

Submission:

Baylor Genetics
Classification: Uncertain significance for Epilepsy, familial focal, with variable foci 1. Last evaluated: 2019-11-20. Review status: criteria provided, single submitter. Criteria: ACMG Guidelines, 2015. Collection method: clinical testing. Allele origin: unknown. Affected: yes.
Comment: This variant was determined to be of uncertain significance according to ACMG Guidelines, 2015 [PMID:25741868].